The following is an entry in ClinVar:

ClinVar aggregate classification (germline): Uncertain significance (1 of 4 stars; one submission).

Submission:

Labcorp Genetics (formerly Invitae), Labcorp
Classification: Uncertain significance. Last evaluated: 2022-07-19. Review status: criteria provided, single submitter. Criteria: Invitae Variant Classification Sherloc (09022015). Collection method: clinical testing. Allele origin: germline.
Comment: This sequence change falls in intron 2 of the CNGB1 gene. It does not directly change the encoded amino acid sequence of the CNGB1 protein. This variant is not present in population databases (gnomAD no frequency). This variant has not been reported in the literature in individuals affected with CNGB1-related conditions. ClinVar contains an entry for this variant (Variation ID: 1514030). Algorithms developed to predict the effect of sequence changes on RNA splicing suggest that this variant may disrupt the consensus splice site. In summary, the available evidence is currently insufficient to determine the role of this variant in disease. Therefore, it has been classified as a Variant of Uncertain Significance.

NM_001297.5(CNGB1):c.160-12C>A

Gene: CNGB1 (cyclic nucleotide gated channel subunit beta 1; minus strand). Cytogenetic location: 16q21.
Variant type: single nucleotide variant.
Coding change: c.160-12C>A on transcript NM_001297.5 (MANE Select); 12 bases into the intron before coding-DNA position 160, C replaced by A.
Molecular consequence: intron variant.
Genome position (GRCh38, 1-based): chr16:57,964,556, G>T on the plus strand (C>A on the coding strand, the complement: CNGB1 is on the minus strand). VCF-style: chr16-57964556-G-T. GRCh37 (hg19) VCF-style: chr16-57998460-G-T.
Other names: c.160-12C>A (NM_001286130.2, NM_001135639.2).
Identifiers: ClinVar variation 1514030 (VCV001514030.8), dbSNP rs374210189, ClinGen allele CA2224857456.
Genomic context (GRCh38, chr16:57,964,556, plus strand): 5'-TTGGGTCTGCCACAGCCACTTCCTCCTCCTTGAATGACTCTTCGGGGGGCTAGAGGGTTC[G>T]AACAGGATCATGTAAGTCCTAGGTGAGACCAGCCTGGTTTGGACAGGGGCAGCCTGATTC-3'